The following is an entry in ClinVar:

ClinVar aggregate classification (germline): Uncertain significance (1 of 4 stars; one submission).

Allele frequency attached by ClinVar (database versions not stated): gnomAD exomes below 0.00001; ExAC 0.00010.
gnomAD v4.1: 3 of 1,613,110 alleles (0.00019%); highest among the groups gnomAD compares: Non-Finnish European, 0.00025%; no homozygotes.

Submission:

CeGaT Center for Human Genetics Tuebingen
Classification: Uncertain significance. Last evaluated: 2023-10-01. Review status: criteria provided, single submitter. Criteria: CeGaT Center For Human Genetics Tuebingen Variant Classification Criteria Version 2. Collection method: clinical testing. Allele origin: germline. Affected: yes. Observed: 1 variant allele.
Comment: TTN: PM2, BP4

NM_001267550.2(TTN):c.74196C>A (p.Asp24732Glu)

Genes: TTN (titin; minus strand), TTN-AS1 (TTN antisense RNA 1; plus strand). Cytogenetic location: 2q31.2.
Variant type: single nucleotide variant.
Coding change: c.74196C>A on transcript NM_001267550.2 (MANE Select); coding-DNA position 74196, C replaced by A.
Protein change: p.Asp24732Glu; replaces aspartic acid 24732 with glutamic acid.
Molecular consequence: missense variant.
Genome position (GRCh38, 1-based): chr2:178,571,936, G>T on the plus strand (C>A on the coding strand, the complement: TTN is on the minus strand). VCF-style: chr2-178571936-G-T. GRCh37 (hg19) VCF-style: chr2-179436663-G-T.
Other names: c.69273C>A, p.Asp23091Glu (NM_001256850.1); c.47001C>A, p.Asp15667Glu (NM_003319.4); c.66492C>A, p.Asp22164Glu (NM_133378.4); c.47376C>A, p.Asp15792Glu (NM_133432.3); c.47577C>A, p.Asp15859Glu (NM_133437.4); short protein forms D15667E, D15792E, D15859E, D22164E, D23091E, D24732E.
Identifiers: ClinVar variation 2651608 (VCV002651608.24), dbSNP rs764541017, ClinGen allele CA1990233.